The following is an entry in ClinVar:

NM_001164508.2(NEB):c.230A>G (p.Asp77Gly)

Gene: NEB (nebulin; minus strand). Cytogenetic location: 2q23.3.
Variant type: single nucleotide variant.
Coding change: c.230A>G on transcript NM_001164508.2 (MANE Select); coding-DNA position 230, A replaced by G.
Protein change: p.Asp77Gly; replaces aspartic acid 77 with glycine.
Molecular consequence: missense variant.
Genome position (GRCh38, 1-based): chr2:151,727,755, T>C on the plus strand (A>G on the coding strand, the complement: NEB is on the minus strand). VCF-style: chr2-151727755-T-C. GRCh37 (hg19) VCF-style: chr2-152584269-T-C.
Other names: c.230A>G, p.Asp77Gly (NM_001164507.2, NM_001271208.2, NM_004543.5); short protein forms D77G.
Identifiers: ClinVar variation 2145654 (VCV002145654.1), dbSNP rs2099795533, ClinGen allele CA348794880.

ClinVar aggregate classification (germline): Uncertain significance (1 of 4 stars; one submission).

Conditions:
Nemaline myopathy 2 (NEM2). Also called: Nemaline myopathy 2, autosomal recessive. Identifiers: MedGen C1850569, MONDO:0009725, OMIM 256030.

Allele frequency attached by ClinVar (database versions not stated): gnomAD exomes below 0.00001.
gnomAD v4.1: 1 of 1,613,734 alleles (0.000062%); highest among the groups gnomAD compares: Admixed American, 0.0017%; no homozygotes.

Submission:

Labcorp Genetics (formerly Invitae), Labcorp
Classification: Uncertain significance for Nemaline myopathy 2. Last evaluated: 2021-10-14. Review status: criteria provided, single submitter. Criteria: Invitae Variant Classification Sherloc (09022015). Collection method: clinical testing. Allele origin: germline.
Comment: This sequence change replaces aspartic acid with glycine at codon 77 of the NEB protein (p.Asp77Gly). The aspartic acid residue is moderately conserved and there is a moderate physicochemical difference between aspartic acid and glycine. This variant is not present in population databases (ExAC no frequency). This variant has not been reported in the literature in individuals affected with NEB-related conditions. Algorithms developed to predict the effect of missense changes on protein structure and function are either unavailable or do not agree on the potential impact of this missense change (SIFT: "Deleterious"; PolyPhen-2: "Not Available"; Align-GVGD: "Class C0"). In summary, the available evidence is currently insufficient to determine the role of this variant in disease. Therefore, it has been classified as a Variant of Uncertain Significance.